The following is an entry in ClinVar:

NM_012108.4(STAP1):c.707A>T (p.Tyr236Phe)

Gene: STAP1 (signal transducing adaptor family member 1; plus strand). Cytogenetic location: 4q13.2.
Variant type: single nucleotide variant.
Coding change: c.707A>T on transcript NM_012108.4 (MANE Select); coding-DNA position 707, A replaced by T.
Protein change: p.Tyr236Phe; replaces tyrosine 236 with phenylalanine.
Molecular consequence: missense variant.
Genome position (GRCh38, 1-based): chr4:67,590,931, A>T. VCF-style: chr4-67590931-A-T. GRCh37 (hg19) VCF-style: chr4-68456649-A-T.
Other names: c.707A>T, p.Tyr236Phe (NM_001317769.2); short protein forms Y236F.
Identifiers: ClinVar variation 1757033 (VCV001757033.2), dbSNP rs2545907313, ClinGen allele CA357055365.

ClinVar aggregate classification (germline): Uncertain significance (1 of 4 stars; one submission).

gnomAD v4.1: 1 of 1,612,140 alleles (0.000062%); no homozygotes.

Submission:

Ambry Genetics
Classification: Uncertain significance. Last evaluated: 2022-08-07. Review status: criteria provided, single submitter. Criteria: Ambry Variant Classification Scheme 2023. Collection method: clinical testing. Allele origin: germline.
Comment: The p.Y236F variant (also known as c.707A>T), located in coding exon 7 of the STAP1 gene, results from an A to T substitution at nucleotide position 707. The tyrosine at codon 236 is replaced by phenylalanine, an amino acid with highly similar properties. This amino acid position is conserved. In addition, the in silico prediction for this alteration is inconclusive. Since supporting evidence is limited at this time, the clinical significance of this alteration remains unclear.